The following is an entry in ClinVar:

ClinVar aggregate classification (germline): Uncertain significance (0 of 4 stars; one submission).

Conditions:
SLITRK5-related disorder. Also called: SLITRK5-related condition.

Submission:

PreventionGenetics, part of Exact Sciences
Classification: Uncertain significance for SLITRK5-related condition. Last evaluated: 2024-09-16. Review status: no assertion criteria provided. Collection method: clinical testing. Allele origin: germline.
Comment: The SLITRK5 c.994A>T variant is predicted to result in premature protein termination (p.Lys332*). To our knowledge, this variant has not been reported in the literature or in a large population database, indicating this variant is rare. Loss of function is not an established mechanism of SLITRK5-related disease. At this time, the clinical significance of this variant is uncertain due to the absence of conclusive functional and genetic evidence.

NM_001384609.1(SLITRK5):c.994A>T (p.Lys332Ter)

Gene: SLITRK5 (SLIT and NTRK like family member 5; plus strand). Cytogenetic location: 13q31.2.
Variant type: single nucleotide variant.
Coding change: c.994A>T on transcript NM_001384609.1 (MANE Select); coding-DNA position 994, A replaced by T.
Protein change: p.Lys332Ter; replaces lysine 332 with a stop codon.
Molecular consequence: nonsense.
Genome position (GRCh38, 1-based): chr13:87,676,382, A>T. VCF-style: chr13-87676382-A-T. GRCh37 (hg19) VCF-style: chr13-88328637-A-T.
Other names: c.994A>T, p.Lys332Ter (NM_001384610.1, NM_015567.2); short protein forms K332*.
Identifiers: ClinVar variation 3344442 (VCV003344442.1).